The following is an entry in ClinVar:

NM_001267550.2(TTN):c.32026A>G (p.Lys10676Glu)

Gene: TTN (titin; minus strand). Cytogenetic location: 2q31.2.
Variant type: single nucleotide variant.
Coding change: c.32026A>G on transcript NM_001267550.2 (MANE Select); coding-DNA position 32026, A replaced by G.
Protein change: p.Lys10676Glu; replaces lysine 10676 with glutamic acid.
Molecular consequence: missense variant. On other transcripts: intron variant (3).
Genome position (GRCh38, 1-based): chr2:178,689,122, T>C on the plus strand (A>G on the coding strand, the complement: TTN is on the minus strand). VCF-style: chr2-178689122-T-C. GRCh37 (hg19) VCF-style: chr2-179553849-T-C.
Other names: p.K9432E:AAG>GAG; c.31075A>G, p.Lys10359Glu (NM_001256850.1); c.13283-46805A>G (NM_003319.4); c.13859-46805A>G (NM_133437.4); c.13658-46805A>G (NM_133432.3); c.28294A>G, p.Lys9432Glu (NM_133378.4); c.32026A>G (NM_001267550.1); short protein forms K10676E, K9432E, K10359E.
Identifiers: ClinVar variation 202568 (VCV000202568.58), dbSNP rs200952728, ClinGen allele CA309614.

ClinVar aggregate classification (germline): Conflicting classifications of pathogenicity. Review status: criteria provided, conflicting classifications (1 of 4 stars). 18 submissions from 14 submitters: Uncertain significance (10); Benign (2); Likely benign (5). 1 of the submissions does not count toward it. Last evaluated 2026-04-01.

Conditions:
TTN-related disorder. Also called: TTN-related condition; TTN-related disease; TTN-related disorders.
Autosomal recessive limb-girdle muscular dystrophy type 2J (LGMDR10). Also called: Limb-girdle muscular dystrophy, type 2J; MUSCULAR DYSTROPHY, LIMB-GIRDLE, AUTOSOMAL RECESSIVE 10. Identifiers: Orphanet 140922, MedGen C1837342, MONDO:0012127, OMIM 608807.
Dilated cardiomyopathy 1G (CMD1G). Identifiers: Orphanet 154, MedGen C1858763, MONDO:0011400, OMIM 604145.
Early-onset myopathy with fatal cardiomyopathy (CMYO5). Also called: Salih Myopathy; CONGENITAL MYOPATHY 5 WITH CARDIOMYOPATHY. Identifiers: Orphanet 289377, MedGen C2673677, MONDO:0012714, OMIM 611705. Disease mechanism: loss of function.
Myopathy, myofibrillar, 9, with early respiratory failure (MFM9). Also called: EDSTROM MYOPATHY; MYOPATHY, PROXIMAL, WITH EARLY RESPIRATORY MUSCLE INVOLVEMENT; Myopathy, distal, with early respiratory failure, autosomal dominant; Hereditary myopathy with early respiratory failure. Identifiers: Orphanet 178464, Orphanet 34521, MedGen C1863599, MONDO:0011362, OMIM 603689.
Tibial muscular dystrophy (TMD). Also called: Tibial muscular dystrophy, tardive; UDD MYOPATHY; Udd Distal Myopathy – Tibial Muscular Dystrophy. Identifiers: Orphanet 609, MedGen C1838244, MONDO:0010870, OMIM 600334.
Hypertrophic cardiomyopathy 9. Also called: Familial hypertrophic cardiomyopathy 9. Identifiers: MedGen C1861065, MONDO:0013412, OMIM 613765.
Cardiomyopathy (CMYO). Also called: Cardiomyopathies. Identifiers: Orphanet 167848, MedGen C0878544, MONDO:0004994, HP:0001638. Inheritance: Various modes of inheritance.

Allele frequency attached by ClinVar (database versions not stated): ESP Exome Variant Server 0.00008; ExAC 0.00012; gnomAD exomes 0.00015 and 0.00033; TOPMed 0.00020; gnomAD 0.00022.
gnomAD v4.1: 499 of 1,608,208 alleles (0.031%); highest among the groups gnomAD compares: Non-Finnish European, 0.041%; no homozygotes.

Submissions (18):

CeGaT Center for Human Genetics Tuebingen
Classification: Uncertain significance. Last evaluated: 2026-04-01. Review status: criteria provided, single submitter. Criteria: CeGaT Center For Human Genetics Tuebingen Variant Classification Criteria Version 2. Collection method: clinical testing. Allele origin: germline. Affected: yes. Observed: 4 variant alleles.

PreventionGenetics, part of Exact Sciences
Classification: Likely benign for TTN-related condition. Last evaluated: 2025-07-03. Review status: criteria provided, single submitter. Criteria: ACMG Guidelines, 2015. Collection method: clinical testing. Allele origin: germline.
Comment: This variant is classified as likely benign based on ACMG/AMP sequence variant interpretation guidelines (Richards et al. 2015 PMID: 25741868, with internal and published modifications).

Molecular Diagnostic Laboratory for Inherited Cardiovascular Disease, Montreal Heart Institute
Classification: Likely benign. Last evaluated: 2025-04-09. Review status: criteria provided, single submitter. Criteria: ACMG Guidelines, 2015. Collection method: clinical testing. Allele origin: germline. Affected: no.

Women's Health and Genetics/Laboratory Corporation of America, LabCorp
Classification: Likely benign. Last evaluated: 2024-11-18. Review status: criteria provided, single submitter. Criteria: LabCorp Variant Classification Summary - May 2015. Collection method: clinical testing. Allele origin: germline.
Comment: Variant summary: TTN c.28294A>G (p.Lys9432Glu) (also reported in NM_001267550 as c.32026A>G p.Lys10676Glu) results in a conservative amino acid change located in the the I-band region of the encoded protein sequence. Three of four in-silico tools predict a damaging effect of the variant on protein function. The variant allele was found at a frequency of 0.00031 in 1608208 control chromosomes, predominantly at a frequency of 0.00041 within the Non-Finnish European subpopulation in the gnomAD database. The observed variant frequency within Non-Finnish European control individuals in the gnomAD database is approximately 1 fold of the estimated maximal expected allele frequency for a pathogenic variant in TTN causing Dilated Cardiomyopathy phenotype (0.00039). To our knowledge, no occurrence of c.28294A>G in individuals affected with Dilated Cardiomyopathy and no experimental evidence demonstrating its impact on protein function have been reported. The following publication have been ascertained in the context of this evaluation (PMID: 24892279). ClinVar contains an entry for this variant (Variation ID: 202568). Based on the evidence outlined above, the variant was classified as likely benign.

Blueprint Genetics
Classification: Likely benign. Last evaluated: 2024-11-04. Review status: criteria provided, single submitter. Criteria: ACMG Guidelines, 2015. Collection method: clinical testing. Allele origin: germline.

Revvity Omics, Revvity
Classification: Uncertain significance. Last evaluated: 2024-04-01. Review status: criteria provided, single submitter. Criteria: ACMG Guidelines, 2015. Collection method: clinical testing. Allele origin: germline.

Athena Diagnostics
Classification: Uncertain significance. Last evaluated: 2023-08-07. Review status: criteria provided, single submitter. Criteria: Athena Diagnostics Criteria. Collection method: clinical testing. Allele origin: unknown.
Comment: Available data are insufficient to determine the clinical significance of the variant at this time. The frequency of this variant in the general population is higher than would generally be expected for pathogenic variants in this gene. Computational tools predict that this variant is not damaging.

CHEO Genetics Diagnostic Laboratory, Children's Hospital of Eastern Ontario
Classification: Likely benign for Cardiomyopathy. Last evaluated: 2023-06-21. Review status: criteria provided, single submitter. Criteria: ACMG Guidelines, 2015. Collection method: clinical testing. Allele origin: germline.

Fulgent Genetics
Classification: Uncertain significance for Tibial muscular dystrophy; Myopathy, myofibrillar, 9, with early respiratory failure; Dilated cardiomyopathy 1G; Autosomal recessive limb-girdle muscular dystrophy type 2J; Early-onset myopathy with fatal cardiomyopathy; Hypertrophic cardiomyopathy 9. Last evaluated: 2018-10-31. Review status: criteria provided, single submitter. Criteria: ACMG Guidelines, 2015. Collection method: clinical testing. Allele origin: unknown.

Illumina Laboratory Services, Illumina
Classification: Benign for Tibial muscular dystrophy. Last evaluated: 2018-01-13. Review status: criteria provided, single submitter. Criteria: ICSL Variant Classification Criteria 13 December 2019. Collection method: clinical testing. Allele origin: germline.
Comment: This variant was observed in the ICSL laboratory as part of a predisposition screen in an ostensibly healthy population. It had not been previously curated by ICSL or reported in the Human Gene Mutation Database (HGMD: prior to June 1st, 2018), and was therefore a candidate for classification through an automated scoring system. Utilizing variant allele frequency, disease prevalence and penetrance estimates, and inheritance mode, an automated score was calculated to assess if this variant is too frequent to cause the disease. Based on the score and internal cut-off values, a variant classified as benign is not then subjected to further curation. The score for this variant resulted in a classification of benign for this disease.

Illumina Laboratory Services, Illumina
Classification: Uncertain significance for Autosomal recessive limb-girdle muscular dystrophy type 2J. Last evaluated: 2018-01-13. Review status: criteria provided, single submitter. Criteria: ICSL Variant Classification Criteria 13 December 2019. Collection method: clinical testing. Allele origin: germline.

Illumina Laboratory Services, Illumina
Classification: Uncertain significance for Early-onset myopathy with fatal cardiomyopathy. Last evaluated: 2018-01-13. Review status: criteria provided, single submitter. Criteria: ICSL Variant Classification Criteria 13 December 2019. Collection method: clinical testing. Allele origin: germline.

Illumina Laboratory Services, Illumina
Classification: Uncertain significance for Dilated cardiomyopathy 1G. Last evaluated: 2018-01-13. Review status: criteria provided, single submitter. Criteria: ICSL Variant Classification Criteria 13 December 2019. Collection method: clinical testing. Allele origin: germline.

Illumina Laboratory Services, Illumina
Classification: Benign for Myopathy, myofibrillar, 9, with early respiratory failure. Last evaluated: 2018-01-13. Review status: criteria provided, single submitter. Criteria: ICSL Variant Classification Criteria 13 December 2019. Collection method: clinical testing. Allele origin: germline.
Comment: the same text as in the submission from Illumina Laboratory Services, Illumina above.

Labcorp Genetics (formerly Invitae), Labcorp
Classification: Uncertain significance for Dilated cardiomyopathy 1G; Autosomal recessive limb-girdle muscular dystrophy type 2J. Last evaluated: 2017-11-09. Review status: criteria provided, single submitter. Criteria: Invitae Variant Classification Sherloc (09022015). Collection method: clinical testing. Allele origin: germline.

Eurofins Ntd Llc (ga)
Classification: Uncertain significance. Last evaluated: 2016-12-28. Review status: criteria provided, single submitter. Criteria: EGL Classification Definitions 2015. Collection method: clinical testing. Allele origin: germline. Observed: 1 variant allele, 1 heterozygote.

Laboratory for Molecular Medicine, Mass General Brigham Personalized Medicine
Classification: Uncertain significance. Last evaluated: 2015-04-01. Review status: criteria provided, single submitter. Criteria: LMM Criteria. Collection method: clinical testing. Allele origin: germline. Observed: 1 variant allele.
Comment: The p.Lys9432Glu variant in TTN has not been previously reported in individuals with cardiomyopathy, but has been identified in 13/66672 European chromosomes by the Exome Aggregation Consortium (ExAC; dbSNP r s200952728). Computational prediction tools and conservation analysis suggest th at this variant may not impact the protein, though this information is not predi ctive enough to rule out pathogenicity. In summary, the clinical significance of the p.Lys9432Glu variant is uncertain.

GeneDx
No classification provided. Last evaluated: 2013-04-11. Review status: no classification provided. Criteria: GeneDx Variant Classification (06012015). Collection method: clinical testing. Allele origin: germline. Affected: yes. Not counted in ClinVar's aggregate classification.
Comment: Missense variants in the TTN gene are considered 'unclassified' if they are not previously reported in the literature and do not have >1% frequency in the population to be considered a polymorphism. Research indicates that truncating mutations in the TTN gene are expected to account for approximately 25% of familial and 18% of sporadic idiopathic DCM; however, truncating variants in the TTN gene have been reported in approximately 3% of reported control alleles. There has been little investigation into non-truncating variants. (Herman D et al. Truncations of titin causing dilated cardiomyopathy. N Eng J Med 366:619-628, 2012) The variant is found in DCM panel(s).

Literature cited by the submitters: PubMed 24892279 (cited by Women's Health and Genetics/Laboratory Corporation of America, LabCorp).